The following is an entry in ClinVar:

NM_000285.4(PEPD):c.775G>A (p.Ala259Thr)

Gene: PEPD (peptidase D; minus strand). Cytogenetic location: 19q13.11.
Variant type: single nucleotide variant.
Coding change: c.775G>A on transcript NM_000285.4 (MANE Select); coding-DNA position 775, G replaced by A.
Protein change: p.Ala259Thr; replaces alanine 259 with threonine.
Molecular consequence: missense variant.
Genome position (GRCh38, 1-based): chr19:33,411,715, C>T on the plus strand (G>A on the coding strand, the complement: PEPD is on the minus strand). VCF-style: chr19-33411715-C-T. GRCh37 (hg19) VCF-style: chr19-33902621-C-T.
Other names: c.652G>A, p.Ala218Thr (NM_001166056.2); c.583G>A, p.Ala195Thr (NM_001166057.2); short protein forms A195T, A218T, A259T.
Identifiers: ClinVar variation 1424357 (VCV001424357.4), dbSNP rs370370158, ClinGen allele CA9364139.

ClinVar aggregate classification (germline): Uncertain significance (1 of 4 stars; one submission).

Allele frequency attached by ClinVar (database versions not stated): gnomAD exomes 0.00002 and 0.00004; ExAC 0.00005; gnomAD 0.00006 and 0.00008; TOPMed 0.00011; 1000 Genomes Project 30x 0.00016; ESP Exome Variant Server 0.00016; 1000 Genomes Project 0.00020.
gnomAD v4.1: 48 of 1,611,226 alleles (0.003%); highest among the groups gnomAD compares: African/African-American, 0.013%; no homozygotes.

Submission:

Labcorp Genetics (formerly Invitae), Labcorp
Classification: Uncertain significance. Last evaluated: 2025-07-21. Review status: criteria provided, single submitter. Criteria: Invitae Variant Classification Sherloc (09022015). Collection method: clinical testing. Allele origin: germline.
Comment: This sequence change replaces alanine, which is neutral and non-polar, with threonine, which is neutral and polar, at codon 259 of the PEPD protein (p.Ala259Thr). This variant is present in population databases (rs370370158, gnomAD 0.01%). This variant has not been reported in the literature in individuals affected with PEPD-related conditions. ClinVar contains an entry for this variant (Variation ID: 1424357). Invitae Evidence Modeling of protein sequence and biophysical properties (such as structural, functional, and spatial information, amino acid conservation, physicochemical variation, residue mobility, and thermodynamic stability) has been performed for this missense variant. However, the output from this modeling did not meet the statistical confidence thresholds required to predict the impact of this variant on PEPD protein function. In summary, the available evidence is currently insufficient to determine the role of this variant in disease. Therefore, it has been classified as a Variant of Uncertain Significance.